The following is an entry in ClinVar:

NM_133433.4(NIPBL):c.1510A>G (p.Lys504Glu)

Gene: NIPBL (NIPBL cohesin loading factor; plus strand). Cytogenetic location: 5p13.2.
Variant type: single nucleotide variant.
Coding change: c.1510A>G on transcript NM_133433.4 (MANE Select); coding-DNA position 1510, A replaced by G.
Protein change: p.Lys504Glu; replaces lysine 504 with glutamic acid.
Molecular consequence: missense variant.
Genome position (GRCh38, 1-based): chr5:36,984,690, A>G. VCF-style: chr5-36984690-A-G. GRCh37 (hg19) VCF-style: chr5-36984792-A-G.
Other names: c.1510A>G, p.Lys504Glu (NM_015384.5); short protein forms K504E.
Identifiers: ClinVar variation 3372862 (VCV003372862.1).
Genomic context (GRCh38, chr5:36,984,690, plus strand): 5'-GAATACATGTCTATTACTGATATTGATATTTATCTTTAAATTTCAGATAAGCCTTTGAAA[A>G]AAAGAAAACAAGATTCTTACCCACAGGAGGCTGGGGGTGCTACAGGAGGTAATAGACCAG-3'
Protein context (NP_597677.2, residues 494-514): EVQDKDKPLK[Lys504Glu]RKQDSYPQEA

ClinVar aggregate classification (germline): Uncertain significance (1 of 4 stars; one submission).

Submission:

GeneDx
Classification: Uncertain significance. Last evaluated: 2024-04-25. Review status: criteria provided, single submitter. Criteria: GeneDx Variant Classification Process June 2021. Collection method: clinical testing. Allele origin: germline. Affected: yes.
Comment: Not observed at significant frequency in large population cohorts (gnomAD); In silico analysis indicates that this missense variant does not alter protein structure/function; Has not been previously published as pathogenic or benign to our knowledge